The following is an entry in ClinVar:

ClinVar aggregate classification (germline): Uncertain significance (1 of 4 stars; one submission).

Submission:

Labcorp Genetics (formerly Invitae), Labcorp
Classification: Uncertain significance. Last evaluated: 2025-04-15. Review status: criteria provided, single submitter. Criteria: Invitae Variant Classification Sherloc (09022015). Collection method: clinical testing. Allele origin: germline.
Comment: This sequence change replaces valine, which is neutral and non-polar, with methionine, which is neutral and non-polar, at codon 1499 of the MYH3 protein (p.Val1499Met). This variant is not present in population databases (gnomAD no frequency). This variant has not been reported in the literature in individuals affected with MYH3-related conditions. ClinVar contains an entry for this variant (Variation ID: 3688925). Invitae Evidence Modeling of protein sequence and biophysical properties (such as structural, functional, and spatial information, amino acid conservation, physicochemical variation, residue mobility, and thermodynamic stability) indicates that this missense variant is not expected to disrupt MYH3 protein function with a negative predictive value of 95%. In summary, the available evidence is currently insufficient to determine the role of this variant in disease. Therefore, it has been classified as a Variant of Uncertain Significance.

NM_002470.4(MYH3):c.4495G>A (p.Val1499Met)

Gene: MYH3 (myosin heavy chain 3; minus strand). Cytogenetic location: 17p13.1.
Variant type: single nucleotide variant.
Coding change: c.4495G>A on transcript NM_002470.4 (MANE Select); coding-DNA position 4495, G replaced by A.
Protein change: p.Val1499Met; replaces valine 1499 with methionine.
Molecular consequence: missense variant.
Genome position (GRCh38, 1-based): chr17:10,634,044, C>T on the plus strand (G>A on the coding strand, the complement: MYH3 is on the minus strand). VCF-style: chr17-10634044-C-T. GRCh37 (hg19) VCF-style: chr17-10537361-C-T.
Other names: short protein forms V1499M.
Identifiers: ClinVar variation 3688925 (VCV003688925.2).